The following is an entry in ClinVar:

NM_176787.5(PIGN):c.996T>G (p.Ile332Met)

Gene: PIGN (phosphatidylinositol glycan anchor biosynthesis class N; minus strand). Cytogenetic location: 18q21.33.
Variant type: single nucleotide variant.
Coding change: c.996T>G on transcript NM_176787.5 (MANE Select); coding-DNA position 996, T replaced by G.
Protein change: p.Ile332Met; replaces isoleucine 332 with methionine.
Molecular consequence: missense variant.
Genome position (GRCh38, 1-based): chr18:62,140,447, A>C on the plus strand (T>G on the coding strand, the complement: PIGN is on the minus strand). VCF-style: chr18-62140447-A-C. GRCh37 (hg19) VCF-style: chr18-59807680-A-C.
Other names: c.996T>G, p.Ile332Met (NM_012327.6); short protein forms I332M.
Identifiers: ClinVar variation 402190 (VCV000402190.19), dbSNP rs1060499763, ClinGen allele CA16609540.

ClinVar aggregate classification (germline): Conflicting classifications of pathogenicity. Review status: criteria provided, conflicting classifications (1 of 4 stars). 6 submissions from 6 submitters: Pathogenic (2); Likely pathogenic (3); Uncertain significance (1). Last evaluated 2024-07-10.

Conditions:
Abnormal brain morphology. Also called: Abnormality of brain morphology. Identifiers: MedGen C4021085, HP:0012443.
PIGN-related disorder. Also called: PIGN-related condition.
Multiple congenital anomalies-hypotonia-seizures syndrome 1 (MCAHS1). Also called: PIGN-CDG; Congenital disorder of glycosylation due to PIGN deficiency; GLYCOSYLPHOSPHATIDYLINOSITOL BIOSYNTHESIS DEFECT 3. Identifiers: Orphanet 280633, MedGen C3279775, MONDO:0013563, OMIM 614080.

Allele frequency attached by ClinVar (database versions not stated): gnomAD 0.00001; TOPMed 0.00001.
gnomAD v4.1: 3 of 1,555,486 alleles (0.00019%); highest among the groups gnomAD compares: Non-Finnish European, 0.00018%; no homozygotes.

Submissions (6):

GeneDx
Classification: Pathogenic. Last evaluated: 2024-07-10. Review status: criteria provided, single submitter. Criteria: GeneDx Variant Classification Process June 2021. Collection method: clinical testing. Allele origin: germline. Affected: yes.
Comment: Not observed at significant frequency in large population cohorts (gnomAD); In silico analysis indicates that this missense variant does not alter protein structure/function; This variant is associated with the following publications: (PMID: 26539891, 33619735, 36322149, 35179230, 34540776)

Labcorp Genetics (formerly Invitae), Labcorp
Classification: Likely pathogenic for Multiple congenital anomalies-hypotonia-seizures syndrome 1. Last evaluated: 2023-05-22. Review status: criteria provided, single submitter. Criteria: Invitae Variant Classification Sherloc (09022015). Collection method: clinical testing. Allele origin: germline.
Comment: This missense change has been observed in individual(s) with clinical features of PIGN congenital disorder of glycosylation (PMID: 26539891, 33619735, 35179230). In at least one individual the data is consistent with being in trans (on the opposite chromosome) from a pathogenic variant. This sequence change replaces isoleucine, which is neutral and non-polar, with methionine, which is neutral and non-polar, at codon 332 of the PIGN protein (p.Ile332Met). This variant is present in population databases (no rsID available, gnomAD 0.007%). ClinVar contains an entry for this variant (Variation ID: 402190). Advanced modeling of protein sequence and biophysical properties (such as structural, functional, and spatial information, amino acid conservation, physicochemical variation, residue mobility, and thermodynamic stability) performed at Invitae indicates that this missense variant is expected to disrupt PIGN protein function. In summary, the currently available evidence indicates that the variant is pathogenic, but additional data are needed to prove that conclusively. Therefore, this variant has been classified as Likely Pathogenic.

PreventionGenetics, part of Exact Sciences
Classification: Uncertain significance for PIGN-related condition. Last evaluated: 2022-09-07. Review status: criteria provided, single submitter. Criteria: ACMG Guidelines, 2015. Collection method: clinical testing. Allele origin: germline.
Comment: The PIGN c.996T>G variant is predicted to result in the amino acid substitution p.Ile332Met. This variant has been reported in the homozygous and compound heterozygous state with a premature termination variant in two individuals with PIGN-related phenotypes (Karaca et al 2015. PubMed ID: 26539891, Sup Table 1A; Brunet T et al 2021. PubMed ID: 33619735, Supp Table). This variant is reported in 0.0065% of alleles in individuals of European (Non-Finnish) descent in gnomAD (1 allele), indicating it is rare. Although we suspect that this variant may be pathogenic, at this time, the clinical significance is uncertain due to the absence of conclusive functional and genetic evidence.

Genomic Research Center, Shahid Beheshti University of Medical Sciences
Classification: Likely pathogenic for Multiple congenital anomalies-hypotonia-seizures syndrome 1. Last evaluated: 2017-12-18. Review status: criteria provided, single submitter. Criteria: ACMG Guidelines, 2015. Collection method: clinical testing. Allele origin: inherited. Affected: yes.

Institute of Human Genetics Munich, TUM University Hospital
Classification: Pathogenic for Multiple congenital anomalies-hypotonia-seizures syndrome 1. Last evaluated: 2017-12-06. Review status: criteria provided, single submitter. Criteria: Classification criteria August 2017. Collection method: clinical testing. Allele origin: paternal. Inheritance: Autosomal recessive inheritance. Affected: yes. Observed: 1 compound heterozygote.

Lupski Lab, Baylor-Hopkins CMG, Baylor College of Medicine
Classification: Likely pathogenic for Abnormal brain morphology. Review status: criteria provided, single submitter. Criteria: Karaca et al. (Neuron 2015). Collection method: research. Allele origin: inherited. Inheritance: Autosomal recessive inheritance. Affected: yes.

Literature cited by the submitters: PubMed 26539891 (cited by Labcorp Genetics (formerly Invitae), Labcorp); PubMed 33619735 (cited by Labcorp Genetics (formerly Invitae), Labcorp); PubMed 35179230 (cited by Labcorp Genetics (formerly Invitae), Labcorp).